The following is an entry in ClinVar:

ClinVar aggregate classification (germline): Uncertain significance. Review status: criteria provided, multiple submitters, no conflicts (2 of 4 stars). 2 submissions from 2 submitters: Uncertain significance (2). Last evaluated 2023-04-20.

Submissions (2):

Greenwood Genetic Center Diagnostic Laboratories, Greenwood Genetic Center
Classification: Uncertain significance. Last evaluated: 2023-04-20. Review status: criteria provided, single submitter. Criteria: ACMG Guidelines, 2015. Collection method: clinical testing. Allele origin: germline. Affected: yes.
Comment: PM2, PP3

GeneDx
Classification: Uncertain significance. Last evaluated: 2020-02-07. Review status: criteria provided, single submitter. Criteria: GeneDx Variant Classification Process June 2021. Collection method: clinical testing. Allele origin: germline. Affected: yes.
Comment: Not observed at a significant frequency in large population cohorts (Lek et al., 2016); Frameshift variant predicted to result in protein truncation as the last 19 amino acids are replaced with 20 different amino acids, although loss-of-function variants have not been reported downstream of this position in the protein; Has not been previously published as pathogenic or benign to our knowledge

NM_001165963.4(SCN1A):c.5972del (p.Lys1991fs)

Genes: SCN1A (sodium voltage-gated channel alpha subunit 1; minus strand), LOC102724058 (uncharacterized LOC102724058; plus strand). Cytogenetic location: 2q24.3.
Variant type: Deletion.
Coding change: c.5972del on transcript NM_001165963.4 (MANE Select); coding-DNA position 5972, one base deleted (A; older notation c.5972delA).
Protein change: p.Lys1991fs; shifts the reading frame from lysine 1991.
Molecular consequence: frameshift variant. On other transcripts: non-coding transcript variant (1).
Genome position (GRCh38, 1-based): chr2:165,991,303, T deleted on the plus strand (A on the coding strand, the reverse complement: SCN1A is on the minus strand); the first of 3 consecutive T bases (chr2:165,991,303-165,991,305); deleting any one gives the same sequence. VCF-style (leftmost placement, unchanged base first): chr2-165991302-CT-C. GRCh37 (hg19) VCF-style: chr2-166847812-CT-C.
Other names: c.5972del (NM_001165963.3); c.5939del, p.Lys1980fs (NM_001353951.2, NM_001353952.2, NM_006920.6 and 2 more transcripts); c.5936del, p.Lys1979fs (NM_001353954.2, NM_001353955.2); c.5888del, p.Lys1963fs (NM_001353957.2, NM_001353958.2, NM_001165964.3); c.5885del, p.Lys1962fs (NM_001353960.2); c.3530del, p.Lys1177fs (NM_001353961.2); c.5972del, p.Lys1991fs (NM_001202435.3, NM_001353948.2); short protein forms K1177fs, K1962fs, K1963fs, K1979fs, K1980fs, K1991fs.
Identifiers: ClinVar variation 1315180 (VCV001315180.3), dbSNP rs1388173033, ClinGen allele CA537508327.